The following is an entry in ClinVar:

ClinVar aggregate classification (germline): Conflicting classifications of pathogenicity. Review status: criteria provided, conflicting classifications (1 of 4 stars). 3 submissions from 3 submitters: Uncertain significance (1); Likely benign (2). Last evaluated 2026-01-01.

Conditions:
Sotos syndrome (SOTOS). Also called: Distinctive facial appearance, overgrowth in childhood, and learning disabilities or delayed development; Sotos' syndrome; CHROMOSOME 5q35 DELETION SYNDROME; SOTOS SYNDROME 1; CEREBRAL GIGANTISM. Identifiers: Orphanet 821, MedGen C0175695, MONDO:0019349, OMIM 117550.

Allele frequency attached by ClinVar (database versions not stated): gnomAD 0.00004; ESP Exome Variant Server 0.00008.
gnomAD v4.1: 72 of 1,608,060 alleles (0.0045%); highest among the groups gnomAD compares: Middle Eastern, 0.017%; no homozygotes.

Submissions (3):

CeGaT Center for Human Genetics Tuebingen
Classification: Likely benign. Last evaluated: 2026-01-01. Review status: criteria provided, single submitter. Criteria: CeGaT Center For Human Genetics Tuebingen Variant Classification Criteria Version 2. Collection method: clinical testing. Allele origin: germline. Affected: yes. Observed: 2 variant alleles.
Comment: NSD1: BS2

Labcorp Genetics (formerly Invitae), Labcorp
Classification: Likely benign. Last evaluated: 2025-07-02. Review status: criteria provided, single submitter. Criteria: Invitae Variant Classification Sherloc (09022015). Collection method: clinical testing. Allele origin: germline.

Department of Pathology and Laboratory Medicine, Sinai Health System
Classification: Uncertain significance for Sotos syndrome. Last evaluated: 2023-04-18. Review status: criteria provided, single submitter. Criteria: ACMG Guidelines, 2015. Collection method: research. Allele origin: germline.

NM_022455.5(NSD1):c.3511C>T (p.Arg1171Cys)

Gene: NSD1 (nuclear receptor binding SET domain protein 1; plus strand). Cytogenetic location: 5q35.3.
Variant type: single nucleotide variant.
Coding change: c.3511C>T on transcript NM_022455.5 (MANE Select); coding-DNA position 3511, C replaced by T.
Protein change: p.Arg1171Cys; replaces arginine 1171 with cysteine.
Molecular consequence: missense variant.
Genome position (GRCh38, 1-based): chr5:177,211,910, C>T. VCF-style: chr5-177211910-C-T. GRCh37 (hg19) VCF-style: chr5-176638911-C-T.
Other names: c.2638C>T, p.Arg880Cys (NM_001365684.2, NM_172349.5, NM_001409306.1 and 3 more transcripts); c.3511C>T, p.Arg1171Cys (NM_001409301.1, NM_001409302.1, NM_001409303.1); c.3091C>T, p.Arg1031Cys (NM_001409304.1); c.2758C>T, p.Arg920Cys (NM_001409305.1); short protein forms R920C, R1171C, R880C, R902C, R1031C.
Identifiers: ClinVar variation 2044835 (VCV002044835.18), dbSNP rs367790484, ClinGen allele CA3577450.
Genomic context (GRCh38, chr5:177,211,910, plus strand): 5'-GTAAATCAAGTGGTGCCTAAAAAGCGGTGGCAGCGTTTAAACCAAAGGCGCACTAAACCT[C>T]GTAAGCGCATGAACAGATTTAAAGAGAAAGAAAACTCTGAGTGTGCCTTTAGGGTCTTAC-3'
Protein context (NP_071900.2, residues 1161-1181): QRLNQRRTKP[Arg1171Cys]KRMNRFKEKE